The following is an entry in ClinVar:

ClinVar aggregate classification (germline): Uncertain significance (1 of 4 stars; one submission).

Submissions (2):

Blueprint Genetics
Classification: Uncertain significance. Last evaluated: 2017-07-27. Review status: criteria provided, single submitter. Criteria: ACMG Guidelines, 2015. Collection method: clinical testing. Allele origin: germline.

Gilbert/Spinner Lab, Children's Hospital of Philadelphia
No classification provided (evidence only). Condition: Alagille syndrome. Review status: no classification provided. Collection method: research. Allele origin: not applicable. Functional consequence: functionally_abnormal. Not counted in ClinVar's aggregate classification.
ClinVar note: "not provided" was previously submitted as the classification for the variant. However, the classification appeared to be based only on an observation of functional data so it was converted to no classification on 2025-07-30.

NM_000214.3(JAG1):c.365T>A (p.Leu122Gln)

Gene: JAG1 (jagged canonical Notch ligand 1; minus strand). Cytogenetic location: 20p12.2.
Variant type: single nucleotide variant.
Coding change: c.365T>A on transcript NM_000214.3 (MANE Select); coding-DNA position 365, T replaced by A.
Protein change: p.Leu122Gln; replaces leucine 122 with glutamine.
Molecular consequence: missense variant.
Genome position (GRCh38, 1-based): chr20:10,672,723, A>T on the plus strand (T>A on the coding strand, the complement: JAG1 is on the minus strand). VCF-style: chr20-10672723-A-T. GRCh37 (hg19) VCF-style: chr20-10653371-A-T.
Other names: short protein forms L122Q.
Identifiers: ClinVar variation 3573448 (VCV003573448.3).